The following is an entry in ClinVar:

ClinVar aggregate classification (germline): Uncertain significance (1 of 4 stars; one submission).

Submission:

Labcorp Genetics (formerly Invitae), Labcorp
Classification: Uncertain significance. Last evaluated: 2020-10-26. Review status: criteria provided, single submitter. Criteria: Invitae Variant Classification Sherloc (09022015). Collection method: clinical testing. Allele origin: germline.
Comment: This sequence change replaces tryptophan with arginine at codon 2107 of the MYO7A protein (p.Trp2107Arg). The tryptophan residue is highly conserved and there is a moderate physicochemical difference between tryptophan and arginine. This variant is not present in population databases (ExAC no frequency). This variant has not been reported in the literature in individuals with MYO7A-related conditions. Advanced modeling of protein sequence and biophysical properties (such as structural, functional, and spatial information, amino acid conservation, physicochemical variation, residue mobility, and thermodynamic stability) performed at Invitae indicates that this missense variant is expected to disrupt MYO7A protein function. In summary, the available evidence is currently insufficient to determine the role of this variant in disease. Therefore, it has been classified as a Variant of Uncertain Significance.

NM_000260.4(MYO7A):c.6319T>C (p.Trp2107Arg)

Gene: MYO7A (myosin VIIA; plus strand). Cytogenetic location: 11q13.5.
Variant type: single nucleotide variant.
Coding change: c.6319T>C on transcript NM_000260.4 (MANE Select); coding-DNA position 6319, T replaced by C.
Protein change: p.Trp2107Arg; replaces tryptophan 2107 with arginine.
Molecular consequence: missense variant.
Genome position (GRCh38, 1-based): chr11:77,211,902, T>C. VCF-style: chr11-77211902-T-C. GRCh37 (hg19) VCF-style: chr11-76922947-T-C.
Other names: c.6205T>C, p.Trp2069Arg (NM_001127180.2); c.6172T>C, p.Trp2058Arg (NM_001369365.1); short protein forms W2058R, W2069R, W2107R.
Identifiers: ClinVar variation 1060152 (VCV001060152.9), dbSNP rs2135791128, ClinGen allele CA381936608.
Genomic context (GRCh38, chr11:77,211,902, plus strand): 5'-AAGCACGCAGGGAAGTCCAAGGAGGAGGCCAAGCTGGCCTTCCTGAAGCTCATCTTCAAG[T>C]GGCCCACCTTTGGCTCAGCCTTCTTCGAGGTGAAGGTACACCATGGGCTTCTCAGAGCAG-3'
Protein context (NP_000251.3, residues 2097-2117): KLAFLKLIFK[Trp2107Arg]PTFGSAFFEV